The following is an entry in ClinVar:

ClinVar aggregate classification (germline): Uncertain significance (1 of 4 stars; one submission).

Conditions:
Ataxia-telangiectasia syndrome (AT). Also called: Ataxia-telangiectasia, complementation group D; AT, COMPLEMENTATION GROUP C; Ataxia-telangiectasia; Ataxia telangiectasia (A-T); LOUIS-BAR SYNDROME; Cerebello-oculocutaneous telangiectasia. Identifiers: Orphanet 100, MedGen C0004135, MONDO:0008840, OMIM 208900.

Submission:

Labcorp Genetics (formerly Invitae), Labcorp
Classification: Uncertain significance for Ataxia-telangiectasia syndrome. Last evaluated: 2025-03-13. Review status: criteria provided, single submitter. Criteria: Invitae Variant Classification Sherloc (09022015). Collection method: clinical testing. Allele origin: germline.
Comment: This sequence change replaces aspartic acid, which is acidic and polar, with valine, which is neutral and non-polar, at codon 1007 of the ATM protein (p.Asp1007Val). This variant is not present in population databases (gnomAD no frequency). This variant has not been reported in the literature in individuals affected with ATM-related conditions. Invitae Evidence Modeling of protein sequence and biophysical properties (such as structural, functional, and spatial information, amino acid conservation, physicochemical variation, residue mobility, and thermodynamic stability) indicates that this missense variant is not expected to disrupt ATM protein function with a negative predictive value of 95%. In summary, the available evidence is currently insufficient to determine the role of this variant in disease. Therefore, it has been classified as a Variant of Uncertain Significance.

NM_000051.4(ATM):c.3020A>T (p.Asp1007Val)

Gene: ATM (ATM serine/threonine kinase; plus strand). Cytogenetic location: 11q22.3.
Variant type: single nucleotide variant.
Coding change: c.3020A>T on transcript NM_000051.4 (MANE Select); coding-DNA position 3020, A replaced by T.
Protein change: p.Asp1007Val; replaces aspartic acid 1007 with valine.
Molecular consequence: missense variant.
Genome position (GRCh38, 1-based): chr11:108,271,349, A>T. VCF-style: chr11-108271349-A-T. GRCh37 (hg19) VCF-style: chr11-108142076-A-T.
Other names: c.3020A>T, p.Asp1007Val (NM_001351834.2); short protein forms D1007V.
Identifiers: ClinVar variation 4747193 (VCV004747193.1).